The following is an entry in ClinVar:

NM_206933.4(USH2A):c.9921T>G (p.Cys3307Trp)

Gene: USH2A (usherin; minus strand). Cytogenetic location: 1q41.
Variant type: single nucleotide variant.
Coding change: c.9921T>G on transcript NM_206933.4 (MANE Select); coding-DNA position 9921, T replaced by G.
Protein change: p.Cys3307Trp; replaces cysteine 3307 with tryptophan.
Molecular consequence: missense variant.
Genome position (GRCh38, 1-based): chr1:215,798,944, A>C on the plus strand (T>G on the coding strand, the complement: USH2A is on the minus strand). VCF-style: chr1-215798944-A-C. GRCh37 (hg19) VCF-style: chr1-215972286-A-C.
Other names: NM_206933.4(USH2A):c.9921T>G; c.9921T>G (NM_206933.3); short protein forms C3307W.
Identifiers: ClinVar variation 226441 (VCV000226441.62), dbSNP rs1057519382, ClinGen allele CA16044155.

ClinVar aggregate classification (germline): Uncertain significance. Review status: reviewed by expert panel (3 of 4 stars). 12 submissions from 12 submitters: Uncertain significance (1). 11 of the submissions do not count toward it. Last evaluated 2024-02-21.

Conditions:
Monogenic hearing loss.
Usher syndrome. Also called: Usher's syndrome; Usher Syndromes. Identifiers: Orphanet 886, MedGen CN469326, MeSH D052245, MONDO:0019501. Disease mechanism: loss of function.
USH2A-related disorder. Also called: USH2A-related disorders; USH2A-related condition. Identifiers: MedGen CN239332.
Retinitis pigmentosa 39 (RP39). Identifiers: Orphanet 791, MedGen C3151138, MONDO:0013436, OMIM 613809.
Usher syndrome type 2A. Also called: RETINAL DISEASE IN USHER SYNDROME TYPE IIA, MODIFIER OF; USHER SYNDROME, TYPE IIA. Identifiers: Orphanet 231178, Orphanet 886, MedGen C1848634, MONDO:0010169, OMIM 276901.
Retinitis pigmentosa (RP). Identifiers: Orphanet 791, MedGen C0035334, MeSH D012174, MONDO:0019200, OMIM 268000. Inheritance: Autosomal dominant, autosomal recessive and X linked inheritance.
Usher syndrome type 1 (USH1). Also called: RETINITIS PIGMENTOSA AND CONGENITAL DEAFNESS. Identifiers: Orphanet 231169, Orphanet 886, MedGen C1568247, MONDO:0010168, OMIM 276900.

Allele frequency attached by ClinVar (database versions not stated): TOPMed 0.00001; gnomAD 0.00002; gnomAD exomes 0.00002.
gnomAD v4.1: 32 of 1,613,886 alleles (0.002%); highest among the groups gnomAD compares: Non-Finnish European, 0.0026%; no homozygotes.

Submissions (12):

ClinGen Hearing Loss Variant Curation Expert Panel
Classification: Uncertain significance for Usher syndrome. Last evaluated: 2024-02-21. Review status: reviewed by expert panel. Criteria: Clingen Hl Acmg Specifications Cdh23 Coch Gjb2 Kcnq4 Myo6 Myo7a Slc26a4 Tecta Ush2a V2. Collection method: curation. Allele origin: germline. Inheritance: Autosomal recessive inheritance.
Comment: The variant NM_206933.4:c.9921T>G in USH2A is a missense variant predicted to cause substitution of cysteine by tryptophan at amino acid 3307 (p.Cys3307Trp). The variant is absent from gnomAD v2.1.1 (PM2_Supporting). The REVEL computational prediction analysis tool produced a score of 0.585, which meets no codes. The variant has been reported in three compound heterozygous probands, two who were diagnosed with retinitis pigmentosa, and all with a likely pathogenic/pathogenic second USH2A variant in phase unknown (PM3; PMIDs: 32531858, 34906470, 36819107). In summary, this variant meets the criteria to be classified as uncertain significance for AR Usher syndrome based on the ACMG/AMP criteria applied, as specified by the ClinGen Hearing Loss VCEP: PM2_Supporting, PM3. (ClinGen Hearing Loss VCEP specifications version 2; 2/21/2024).

Genetics Laboratory, Great Ormond Street Hospital NHS Foundation Trust, North Thames Genomic Laboratory Hub
Classification: Uncertain significance for Monogenic hearing loss. Last evaluated: 2025-11-20. Review status: criteria provided, single submitter. Criteria: ACGS Best Practice Guidelines for Variant Classification in Rare Disease 2024 v1.2. Collection method: clinical testing. Allele origin: germline. Affected: yes. Not counted in ClinVar's aggregate classification.
Comment: PM2_moderate, PM3_moderate, PP4_supporting

Natera, Inc.
Classification: Likely pathogenic for Usher syndrome type 2A. Last evaluated: 2024-09-11. Review status: criteria provided, single submitter. Criteria: Natera Variant Classification Schema (03/2026). Collection method: clinical testing. Allele origin: germline. Not counted in ClinVar's aggregate classification.
Comment: The c.9921T>G variant in USH2A is a missense variant predicted to cause substitution of cysteine to tryptophan at amino acid 3307. This variant is rare in the general population with a frequency below the threshold expected for the associated phenotype(s). This variant has been observed in one or more individuals affected with the associated recessive disease, as either homozygous or compound heterozygous with a second variant (PMID: 32531858, 26667666, 36819107, 36819107). Computational prediction algorithms indicate this variant is likely to affect gene or protein function. Given the available evidence, this variant is classified as Likely Pathogenic.

Fulgent Genetics
Classification: Likely pathogenic for Usher syndrome type 2A; Retinitis pigmentosa 39. Last evaluated: 2024-03-12. Review status: criteria provided, single submitter. Criteria: ACMG Guidelines, 2015. Collection method: clinical testing. Allele origin: germline. Not counted in ClinVar's aggregate classification.

Labcorp Genetics (formerly Invitae), Labcorp
Classification: Pathogenic. Last evaluated: 2024-01-16. Review status: criteria provided, single submitter. Criteria: Invitae Variant Classification Sherloc (09022015). Collection method: clinical testing. Allele origin: germline. Not counted in ClinVar's aggregate classification.
Comment: This sequence change replaces cysteine, which is neutral and slightly polar, with tryptophan, which is neutral and slightly polar, at codon 3307 of the USH2A protein (p.Cys3307Trp). This variant is not present in population databases (gnomAD no frequency). This missense change has been observed in individual(s) with retinitis pigmentosa (PMID: 26667666, 32531858; Invitae). In at least one individual the data is consistent with being in trans (on the opposite chromosome) from a pathogenic variant. ClinVar contains an entry for this variant (Variation ID: 226441). Advanced modeling of protein sequence and biophysical properties (such as structural, functional, and spatial information, amino acid conservation, physicochemical variation, residue mobility, and thermodynamic stability) has been performed at Invitae for this missense variant, however the output from this modeling did not meet the statistical confidence thresholds required to predict the impact of this variant on USH2A protein function. This variant disrupts the p.Cys3307Tyr amino acid residue in USH2A. Other variant(s) that disrupt this residue have been determined to be pathogenic (PMID: 28559085; Invitae). This suggests that this residue is clinically significant, and that variants that disrupt this residue are likely to be disease-causing. For these reasons, this variant has been classified as Pathogenic.

Blueprint Genetics
Classification: Pathogenic for USH2A-related disorders. Last evaluated: 2022-03-14. Review status: criteria provided, single submitter. Criteria: ACMG Guidelines, 2015. Collection method: clinical testing. Allele origin: germline. Affected: yes. Observed: 5 variant alleles. Not counted in ClinVar's aggregate classification.

Ocular Genomics Institute, Massachusetts Eye and Ear
Classification: Uncertain significance for Retinitis pigmentosa 39. Last evaluated: 2021-04-08. Review status: criteria provided, single submitter. Criteria: ACMG Guidelines, 2015. Collection method: research. Allele origin: germline. Affected: yes. Not counted in ClinVar's aggregate classification.
Comment: Through a review of available evidence we were able to apply the following criteria: PM2. Based on this evidence we have classified this variant as Variant of Uncertain Significance.

Broad Center for Mendelian Genomics, Broad Institute of MIT and Harvard
Classification: Uncertain significance for Retinitis pigmentosa. Last evaluated: 2021-04-01. Review status: criteria provided, single submitter. Criteria: ACMG Guidelines, 2015. Collection method: curation. Allele origin: germline. Inheritance: Autosomal recessive inheritance. Affected: yes. Not counted in ClinVar's aggregate classification.
Comment: Through a review of available evidence we were able to apply the following criteria: PM2. Based on this evidence we have classified this variant as a Variant of Uncertain Significance. If you have any questions about the classification please reach out to the Pierce Lab.

CeGaT Center for Human Genetics Tuebingen
Classification: Pathogenic. Last evaluated: 2018-04-01. Review status: criteria provided, single submitter. Criteria: CeGaT Center For Human Genetics Tuebingen Variant Classification Criteria Version 2. Collection method: clinical testing. Allele origin: germline. Affected: yes. Observed: 1 variant allele. Not counted in ClinVar's aggregate classification.

PreventionGenetics, part of Exact Sciences
Classification: Likely pathogenic for USH2A-related condition. Last evaluated: 2024-08-22. Review status: no assertion criteria provided. Collection method: clinical testing. Allele origin: germline. Not counted in ClinVar's aggregate classification.
Comment: The USH2A c.9921T>G variant is predicted to result in the amino acid substitution p.Cys3307Trp. This variant has been reported along with a second USH2A variant in multiple individuals with Usher syndrome or retinal disease (Bonnet et al. 2011. PubMed ID: 21569298; Ge et al. 2015. PubMed ID: 26667666; Table S1, Weisschuh et al. 2020. PubMed ID: 32531858; Table S4, Panneman et al. 2023. PubMed ID: 36819107). An alternate substitution of this amino acid residue (p.Cys3307Tyr) has also been reported in individuals with Usher syndrome or retinal disease (Table S1, Stone et al. 2017. PubMed ID: 28559085). This variant has not been reported in a large population database, indicating this variant is rare. Given the evidence, we interpret this variant as likely pathogenic.

Counsyl
Classification: Uncertain significance for Usher syndrome type 2A; Retinitis pigmentosa 39. Last evaluated: 2017-12-12. Review status: no assertion criteria provided. Collection method: clinical testing. Allele origin: unknown. Not counted in ClinVar's aggregate classification.

GeneReviews
Classification: Likely pathogenic for Usher syndrome type 1. Last evaluated: 2016-05-19. Review status: no assertion criteria provided. Collection method: literature only. Allele origin: germline. Affected: yes. Not counted in ClinVar's aggregate classification.

Literature cited by the submitters: PubMed 32531858 (cited by Natera, Inc. and Labcorp Genetics (formerly Invitae), Labcorp); PubMed 26667666 (cited by 5 submitters); PubMed 36819107 (cited by Natera, Inc.); PubMed 28559085 (cited by Labcorp Genetics (formerly Invitae), Labcorp); PubMed 21569298 (cited by 4 submitters); PubMed 34906470 (cited by Broad Center for Mendelian Genomics, Broad Institute of MIT and Harvard).